The following is an entry in ClinVar:

ClinVar aggregate classification (germline): Uncertain significance (1 of 4 stars; one submission).

Conditions:
Inborn genetic diseases. Identifiers: MedGen C0950123, MeSH D030342.

Submission:

Ambry Genetics
Classification: Uncertain significance for Inborn genetic diseases. Last evaluated: 2025-11-23. Review status: criteria provided, single submitter. Criteria: Ambry Variant Classification Scheme 2023. Collection method: clinical testing. Allele origin: germline.
Comment: The p.Y56C variant (also known as c.167A>G), located in coding exon 2 of the ERCC6L2 gene, results from an A to G substitution at nucleotide position 167. The tyrosine at codon 56 is replaced by cysteine, an amino acid with highly dissimilar properties. This amino acid position is conserved. In addition, the in silico prediction for this alteration is inconclusive. Based on the available evidence, the clinical significance of this variant remains unclear.

NM_020207.7(ERCC6L2):c.167A>G (p.Tyr56Cys)

Gene: ERCC6L2 (ERCC excision repair 6 like 2; plus strand). Cytogenetic location: 9q22.32.
Variant type: single nucleotide variant.
Coding change: c.167A>G on transcript NM_020207.7 (MANE Select); coding-DNA position 167, A replaced by G.
Protein change: p.Tyr56Cys; replaces tyrosine 56 with cysteine.
Molecular consequence: missense variant. On other transcripts: non-coding transcript variant (1).
Genome position (GRCh38, 1-based): chr9:95,880,989, A>G. VCF-style: chr9-95880989-A-G. GRCh37 (hg19) VCF-style: chr9-98643271-A-G.
Other names: c.167A>G, p.Tyr56Cys (NM_001375292.1, NM_001375293.1, NM_001375294.1 and 2 more transcripts); short protein forms Y56C.
Identifiers: ClinVar variation 4618767 (VCV004618767.1).